The following is an entry in ClinVar:

ClinVar aggregate classification (germline): Pathogenic. Review status: criteria provided, single submitter (1 of 4 stars). 2 submissions from 2 submitters: Pathogenic (1). 1 of the submissions does not count toward it. Last evaluated 2023-11-25.

Conditions:
Adult onset neurodegenerative disorder.

Submissions (2):

Cambridge Genomics Laboratory, East Genomic Laboratory Hub, NHS Genomic Medicine Service
Classification: Pathogenic for Adult onset neurodegenerative disorder. Last evaluated: 2023-11-25. Review status: criteria provided, single submitter. Criteria: ACGS Best Practice Guidelines for Variant Classification in Rare Disease 2020. Collection method: clinical testing. Allele origin: germline. Affected: yes.
Comment: The missense variant NM_000021.4(PSEN1):c.788G>T (p.Cys263Phe) causes a change at the same amino acid residue as a previously established pathogenic variant. (PM5 - Moderate) | The p.Cys263Phe variant is novel (not in any individuals) in gnomAD All. The p.Cys263Phe variant is novel (not in any individuals) in 1kG All. The p.Cys263Phe variant is novel (not in any individuals) in gnomAD Genomes v3 All. (PM2 - Moderate) | 7 variants within 6 amino acid positions of the variant p.Cys263Phe have been shown to be pathogenic, while only 1 have been shown to be benign. (PM1_Supporting - Supporting) | The p.Cys263Phe missense variant is predicted to be damaging by both SIFT and PolyPhen2. The cysteine residue at codon 263 of PSEN1 is conserved in all mammalian species. The nucleotide c.788 in PSEN1 is predicted conserved by GERP++ and PhyloP across 100 vertebrates. (PP3 - Supporting) | Functional studies demonstrate that this variant has a damaging effect on the gene or gene product (PS3 - Strong) | The patient's phenotype or family history is highly specific for a disease with a single genetic etiology. (PP4 - Supporting)

VIB  Department of Molecular Genetics, University of Antwerp
No classification provided. Review status: no classification provided. Collection method: not provided. Allele origin: not provided. Not counted in ClinVar's aggregate classification.

NM_000021.4(PSEN1):c.788G>T (p.Cys263Phe)

Gene: PSEN1 (presenilin 1; plus strand). Cytogenetic location: 14q24.2.
Variant type: single nucleotide variant.
Coding change: c.788G>T on transcript NM_000021.4 (MANE Select); coding-DNA position 788, G replaced by T.
Protein change: p.Cys263Phe; replaces cysteine 263 with phenylalanine.
Molecular consequence: missense variant.
Genome position (GRCh38, 1-based): chr14:73,198,049, G>T. VCF-style: chr14-73198049-G-T. GRCh37 (hg19) VCF-style: chr14-73664757-G-T.
Other names: c.776G>T, p.Cys259Phe (NM_007318.3); short protein forms C263F, C259F.
Identifiers: ClinVar variation 98079 (VCV000098079.2), dbSNP rs63751102, ClinGen allele CA225115.